The following is an entry in ClinVar:

ClinVar aggregate classification (germline): Pathogenic (1 of 4 stars; one submission).

Conditions:
Hereditary cancer-predisposing syndrome. Also called: Tumor predisposition; Hereditary Cancer Syndrome; Hereditary neoplastic syndrome; Neoplastic Syndromes, Hereditary. Identifiers: Orphanet 140162, MedGen C0027672, MeSH D009386, MONDO:0015356.

Submission:

Ambry Genetics
Classification: Pathogenic for Hereditary cancer-predisposing syndrome. Last evaluated: 2026-01-12. Review status: criteria provided, single submitter. Criteria: Ambry Variant Classification Scheme 2023. Collection method: clinical testing. Allele origin: germline.
Comment: The c.1645delC pathogenic mutation, located in coding exon 9 of the SMARCA4 gene, results from a deletion of one nucleotide at nucleotide position 1645, causing a translational frameshift with a predicted alternate stop codon (p.R549Afs*64). This variant is considered to be rare based on population cohorts in the Genome Aggregation Database (gnomAD). This alteration is expected to result in loss of function by premature protein truncation or nonsense-mediated mRNA decay. Loss-of-function variants in SMARCA4 are known to cause rhabdoid tumor predisposition syndrome including small cell carcinoma of the ovary-hypercalcemic type (SCCOHT); however, such associations with neurodevelopmental disorders are exceedingly rare (Kosho T et al. Am J Med Genet C Semin Med Genet. 2014 Sep;166C(3):262-75; Jelinic P et al. Nat Genet. 2014 May;46(5):424-6). Based on the supporting evidence, this alteration is pathogenic for rhabdoid tumor predisposition syndrome; however, the association of this alteration with Coffin-Siris syndrome is unlikely.

NM_003072.5(SMARCA4):c.1645del (p.Arg549fs)

Gene: SMARCA4 (SWI/SNF related BAF chromatin remodeling complex subunit ATPase 4; plus strand). Cytogenetic location: 19p13.2.
Variant type: Deletion.
Coding change: c.1645del on transcript NM_003072.5 (MANE Select); coding-DNA position 1645, one base deleted (C; older notation c.1645delC).
Protein change: p.Arg549fs; shifts the reading frame from arginine 549.
Molecular consequence: frameshift variant. On other transcripts: non-coding transcript variant (1).
Genome position (GRCh38, 1-based): chr19:10,996,264, C deleted. VCF-style (leftmost placement, unchanged base first): chr19-10996263-GC-G. GRCh37 (hg19) VCF-style: chr19-11106939-GC-G.
Other names: c.1645del, p.Arg549fs (NM_001128844.3, NM_001128845.2, NM_001128846.2 and 5 more transcripts); c.1645delC, p.Arg549Alafs (NM_001411150.1); short protein forms R549fs.
Identifiers: ClinVar variation 1777139 (VCV001777139.3), dbSNP rs2514296017, ClinGen allele CA2580096224.